The following is an entry in ClinVar:

ClinVar aggregate classification (germline): Pathogenic. Review status: criteria provided, multiple submitters, no conflicts (2 of 4 stars). 3 submissions from 3 submitters: Pathogenic (2). 1 of the submissions does not count toward it. Last evaluated 2024-06-12.

Conditions:
Deficiency of ferroxidase (ACEP). Also called: Deficiency of ceruloplasmin; NEURODEGENERATION WITH BRAIN IRON ACCUMULATION 10; Ceruloplasmin deficiency; Familial apoceruloplasmin deficiency; Hereditary ceruloplasmin deficiency; Aceruloplasminemia. Identifiers: Orphanet 48818, MedGen C0878682, MONDO:0011426, OMIM 604290, HP:0025498.

Allele frequency attached by ClinVar (database versions not stated): gnomAD below 0.00001 and 0.00001.
gnomAD v4.1: 1 of 1,613,332 alleles (0.000062%); highest among the groups gnomAD compares: South Asian, 0.0011%; no homozygotes.

Submissions (3):

Fulgent Genetics
Classification: Pathogenic for Deficiency of ferroxidase. Last evaluated: 2024-06-12. Review status: criteria provided, single submitter. Criteria: ACMG Guidelines, 2015. Collection method: clinical testing. Allele origin: germline.

CeGaT Center for Human Genetics Tuebingen
Classification: Pathogenic. Last evaluated: 2023-05-01. Review status: criteria provided, single submitter. Criteria: CeGaT Center For Human Genetics Tuebingen Variant Classification Criteria Version 2. Collection method: clinical testing. Allele origin: germline. Affected: yes. Observed: 1 variant allele.
Comment: CP: PP4:Strong, PVS1:Strong, PM2, PS4:Supporting

Dept of Medicine and Surgery, University of Milano-Bicocca
Classification: Pathogenic for Aceruloplasminemia. Last evaluated: 2009-01-01. Review status: no assertion criteria provided. Collection method: clinical testing. Allele origin: germline. Affected: yes. Observed: 2 variant alleles. Not counted in ClinVar's aggregate classification.

NM_000096.4(CP):c.1208+1G>A

Gene: CP (ceruloplasmin; minus strand). Cytogenetic location: 3q25.1.
Variant type: single nucleotide variant.
Coding change: c.1208+1G>A on transcript NM_000096.4 (MANE Select); the canonical splice donor site of the intron after coding-DNA position 1208, G replaced by A.
Molecular consequence: splice donor variant.
Genome position (GRCh38, 1-based): chr3:149,206,167, C>T on the plus strand (G>A on the coding strand, the complement: CP is on the minus strand). VCF-style: chr3-149206167-C-T. GRCh37 (hg19) VCF-style: chr3-148923954-C-T.
Identifiers: ClinVar variation 488150 (VCV000488150.30), dbSNP rs1553762556, ClinGen allele CA354912612.